The following is an entry in ClinVar:

NM_181458.4(PAX3):c.233T>G (p.Val78Gly)

Gene: PAX3 (paired box 3; minus strand). Cytogenetic location: 2q36.1.
Variant type: single nucleotide variant.
Coding change: c.233T>G on transcript NM_181458.4 (MANE Select); coding-DNA position 233, T replaced by G.
Protein change: p.Val78Gly; replaces valine 78 with glycine.
Molecular consequence: missense variant.
Genome position (GRCh38, 1-based): chr2:222,297,066, A>C on the plus strand (T>G on the coding strand, the complement: PAX3 is on the minus strand). VCF-style: chr2-222297066-A-C. GRCh37 (hg19) VCF-style: chr2-223161785-A-C.
Other names: c.233T>G, p.Val78Gly (NM_000438.6, NM_001127366.3, NM_013942.5 and 4 more transcripts); short protein forms V78G.
Identifiers: ClinVar variation 4996375 (VCV004996375.1).

ClinVar aggregate classification (germline): Uncertain significance (1 of 4 stars; one submission).

Conditions:
PAX3-related disorder. Also called: PAX3-related condition.

Submission:

PreventionGenetics, part of Exact Sciences
Classification: Uncertain significance for PAX3-related condition. Last evaluated: 2025-08-15. Review status: criteria provided, single submitter. Criteria: ACMG Guidelines, 2015. Collection method: clinical testing. Allele origin: germline.
Comment: The PAX3 c.233T>G variant is predicted to result in the amino acid substitution p.Val78Gly. To our knowledge, this variant has not been reported in the literature or in a large population database (gnomAD), indicating this variant is rare. A different substitution (Met) at this amino acid position has been reported in patients with Waardenburg syndrome (Li et al. 2019. PubMed ID: 30936914; Tassabehji et al. 1995. PubMed ID: 8589691). Although we suspect that this variant may be pathogenic, at this time, the clinical significance of this variant is uncertain due to the absence of conclusive functional and genetic evidence.